The following is an entry in ClinVar:

NM_001277115.2(DNAH11):c.9560_9561insAGTT (p.Ala3189fs)

Gene: DNAH11 (dynein axonemal heavy chain 11; plus strand). Cytogenetic location: 7p15.3.
Variant type: Insertion.
Coding change: c.9560_9561insAGTT on transcript NM_001277115.2 (MANE Select); coding-DNA positions 9560 to 9561, AGTT inserted.
Protein change: p.Ala3189fs; shifts the reading frame from alanine 3189.
Molecular consequence: frameshift variant.
Genome position: GRCh38 VCF-style: chr7-21784502-C-CTAGT. GRCh37 (hg19) VCF-style: chr7-21824120-C-CTAGT.
Other names: c.9581_9582insAGTT, p.Ala3196Glyfs (NM_003777.3); short protein forms A3189fs.
Identifiers: ClinVar variation 1767393 (VCV001767393.2), dbSNP rs2535252563, ClinGen allele CA2580076929.

ClinVar aggregate classification (germline): Pathogenic (1 of 4 stars; one submission).

Conditions:
Primary ciliary dyskinesia. Also called: Ciliary dyskinesia. Identifiers: Orphanet 244, MedGen C0008780, MONDO:0016575, HP:0012265.

Submission:

Ambry Genetics
Classification: Pathogenic for Primary ciliary dyskinesia. Last evaluated: 2015-08-19. Review status: criteria provided, single submitter. Criteria: Ambry Variant Classification Scheme 2023. Collection method: clinical testing. Allele origin: germline.
Comment: The c.9560_9561insAGTT pathogenic mutation (also known as p.A3189Gfs*17), located in coding exon 58 of the DNAH11 gene, results from an insertion of 4 nucleotides at position 9560, causing a translational frameshift with a predicted alternate stop codon. Since frameshifts are typically deleterious in nature, this alteration is interpreted as a disease-causing mutation (ACMG Recommendations for Standards for Interpretation and Reporting of Sequence Variations. Revision 2007. Genet Med. 2008;10:294).